The following is an entry in ClinVar:

NM_012418.4(FSCN2):c.901AAG[1] (p.Lys302del)

Gene: FSCN2 (fascin actin-bundling protein 2, retinal; plus strand). Cytogenetic location: 17q25.3.
Variant type: Microsatellite.
Coding change: c.901AAG[1] on transcript NM_012418.4 (MANE Select); one copy of the 3-base unit AAG starting at c.901; the reference has two copies in a row; one copy, 3 bases deleted.
Protein change: p.Lys302del; deletes lysine 302.
Molecular consequence: inframe deletion.
Genome position (GRCh38, 1-based): chr17:81,535,129-81,535,131, AAG deleted; deleting any 3 consecutive bases within chr17:81,535,126-81,535,131 gives the same sequence; the position shown is the placement nearest the transcript's 3' end. VCF-style (leftmost placement, unchanged base first): chr17-81535125-AAAG-A. GRCh37 (hg19) VCF-style: chr17-79502151-AAAG-A.
Other names: c.901AAG[1], p.Lys302del (NM_001077182.3); short protein forms K302del.
Identifiers: ClinVar variation 1945443 (VCV001945443.5), dbSNP rs1334496836, ClinGen allele CA628022903.

ClinVar aggregate classification (germline): Uncertain significance (1 of 4 stars; one submission).

Submission:

Labcorp Genetics (formerly Invitae), Labcorp
Classification: Uncertain significance. Last evaluated: 2026-01-17. Review status: criteria provided, single submitter. Criteria: Invitae Variant Classification Sherloc (09022015). Collection method: clinical testing. Allele origin: germline.
Comment: This variant, c.904_906del, results in the deletion of 1 amino acid(s) of the FSCN2 protein (p.Lys302del), but otherwise preserves the integrity of the reading frame. This variant is present in population databases (no rsID available, gnomAD 0.006%). This variant has not been reported in the literature in individuals affected with FSCN2-related conditions. Experimental studies and prediction algorithms are not available or were not evaluated, and the functional significance of this variant is currently unknown. In summary, the available evidence is currently insufficient to determine the role of this variant in disease. Therefore, it has been classified as a Variant of Uncertain Significance.